The following is an entry in ClinVar:

ClinVar aggregate classification (germline): Pathogenic/Likely pathogenic. Review status: criteria provided, multiple submitters, no conflicts (2 of 4 stars). 3 submissions from 3 submitters: Pathogenic (2); Likely pathogenic (1). Last evaluated 2024-12-18.

Conditions:
Seizures, benign familial neonatal, 1. Also called: Benign Neonatal Epilepsy 1; KCNQ2-Related Benign Familial Neonatal Epilepsy; KCNQ2-Related Self-Limited Familial Neonatal Epilepsy (SLFNE); Seizures, benign neonatal, 1. Identifiers: Orphanet 1949, MedGen C3149074, MONDO:0007365, OMIM 121200.
Developmental and epileptic encephalopathy, 7 (DEE7). Also called: Early infantile epileptic encephalopathy 7; KCNQ2-Related Neonatal Epileptic Encephalopathy; KCNQ2-Related Neonatal-Onset Developmental and Epileptic Encephalopathy (NEO-DEE). Identifiers: Orphanet 439218, MedGen C3150986, MONDO:0013387, OMIM 613720.

Allele frequency attached by ClinVar (database versions not stated): gnomAD exomes below 0.00001.
gnomAD v4.1: 1 of 1,613,872 alleles (0.000062%); highest among the groups gnomAD compares: South Asian, 0.0011%; no homozygotes.

Submissions (8):

Genomic Medicine Center of Excellence, King Faisal Specialist Hospital and Research Centre
Classification: Pathogenic for Seizures, benign familial neonatal, 1. Last evaluated: 2024-12-18. Review status: criteria provided, single submitter. Criteria: ACMG Guidelines, 2015. Collection method: clinical testing. Allele origin: germline.

3billion
Classification: Likely pathogenic for Developmental and epileptic encephalopathy, 7. Last evaluated: 2023-11-15. Review status: criteria provided, single submitter. Criteria: ACMG Guidelines, 2015. Collection method: clinical testing. Allele origin: germline. Affected: yes.
Comment: The variant is not observed in the gnomAD v2.1.1 dataset. Predicted Consequence/Location: The variant is located in a mutational hot spot and/or well-established functional domain in which established pathogenic variants have been reported. Missense changes are a common disease-causing mechanism. In silico tool predictions suggest damaging effect of the variant on gene or gene product [REVEL: 0.81 (>=0.6, sensitivity 0.68 and specificity 0.92); 3Cnet: 0.98 (>=0.6, sensitivity 0.72 and precision 0.9)]. Same nucleotide change resulting in same amino acid change has been previously reported to be associated with KCNQ2 related disorder (ClinVar ID: VCV002571144 /PMID: 27602407).Different missense changes at the same codon (p.Gly256Arg, p.Gly256Val) have been reported as pathogenic/likely pathogenic with strong evidence (ClinVar ID: VCV000945463, VCV000975979 /PMID: 27781031). Therefore, this variant is classified as Likely pathogenic according to the recommendation of ACMG/AMP guideline.

CeGaT Center for Human Genetics Tuebingen
Classification: Pathogenic. Last evaluated: 2023-04-01. Review status: criteria provided, single submitter. Criteria: CeGaT Center For Human Genetics Tuebingen Variant Classification Criteria Version 2. Collection method: clinical testing. Allele origin: germline. Affected: yes. Observed: 1 variant allele.
Comment: KCNQ2: PM1, PM2, PM5, PS4:Moderate, PP2, PS2:Supporting

Channelopathy-Associated Epilepsy Research Center
No classification provided (evidence only). Review status: no classification provided. Collection method: in vitro. Allele origin: not applicable. Functional consequence: Decrease in peak current. Not counted in ClinVar's aggregate classification.

Channelopathy-Associated Epilepsy Research Center
No classification provided (evidence only). Review status: no classification provided. Collection method: in vitro. Allele origin: not applicable. Functional consequence: Decrease in peak current. Not counted in ClinVar's aggregate classification.

Channelopathy-Associated Epilepsy Research Center
No classification provided (evidence only). Review status: no classification provided. Collection method: in vitro. Allele origin: not applicable. Functional consequence: Normal voltage dependence of activation. Not counted in ClinVar's aggregate classification.

Channelopathy-Associated Epilepsy Research Center
No classification provided (evidence only). Review status: no classification provided. Collection method: in vitro. Allele origin: not applicable. Functional consequence: Increase in slope of activation. Not counted in ClinVar's aggregate classification.

Channelopathy-Associated Epilepsy Research Center
No classification provided (evidence only). Review status: no classification provided. Collection method: in vitro. Allele origin: not applicable. Functional consequence: Normal rate of activation. Not counted in ClinVar's aggregate classification.

Literature cited by the submitters: PubMed 27602407 (cited by 3billion); PubMed 27781031 (cited by 3billion).

NM_172107.4(KCNQ2):c.766G>T (p.Gly256Trp)

Gene: KCNQ2 (potassium voltage-gated channel subfamily Q member 2; minus strand). Cytogenetic location: 20q13.33.
Variant type: single nucleotide variant.
Coding change: c.766G>T on transcript NM_172107.4 (MANE Select); coding-DNA position 766, G replaced by T.
Protein change: p.Gly256Trp; replaces glycine 256 with tryptophan.
Molecular consequence: missense variant.
Genome position (GRCh38, 1-based): chr20:63,442,456, C>A on the plus strand (G>T on the coding strand, the complement: KCNQ2 is on the minus strand). VCF-style: chr20-63442456-C-A. GRCh37 (hg19) VCF-style: chr20-62073809-C-A.
Other names: c.766G>T, p.Gly256Trp (NM_001382235.1, NM_004518.6, NM_172106.3 and 2 more transcripts); short protein forms G256W.
Identifiers: ClinVar variation 2571144 (VCV002571144.29), dbSNP rs1057518500, ClinGen allele CA409653491.
Genomic context (GRCh38, chr20:63,442,456, plus strand): 5'-CACAACTCACCAGGCCCCACCAGAGTGCATCCGCGTAGGTGTCAAAGTGGTCGTTCTCCC[C>A]CTTCTCTGCCAAGTACACCAGGAACGAGGCCAGGATGAGACAAAGGAAGCCGATGTACCA-3'
Protein context (NP_742105.1, residues 246-266): ASFLVYLAEK[Gly256Trp]ENDHFDTYAD